The following is an entry in ClinVar:

ClinVar aggregate classification (germline): Conflicting classifications of pathogenicity. Review status: criteria provided, conflicting classifications (1 of 4 stars). 2 submissions from 1 submitter: Pathogenic (1); Uncertain significance (1). Last evaluated 2019-05-10.

Conditions:
Autosomal dominant nocturnal frontal lobe epilepsy 5. Also called: CILIARY DYSKINESIA, PRIMARY, 28, WITHOUT SITUS INVERSUS; KCNT1-Related Epilepsy; CILIARY DYSKINESIA, PRIMARY, 28, WITH SITUS INVERSUS; Epilepsy, nocturnal frontal lobe, 5. Identifiers: Orphanet 98784, MedGen C3554306, MONDO:0014002, OMIM 615005.
Developmental and epileptic encephalopathy, 14 (DEE14). Also called: Early infantile epileptic encephalopathy 14. Identifiers: Orphanet 293181, MedGen C3554195, MONDO:0013989, OMIM 614959.
Kleefstra syndrome 1 (KLEFS1). Identifiers: Orphanet 261494, MedGen C0795833, MONDO:0027407, OMIM 610253.

Submissions (2):

Labcorp Genetics (formerly Invitae), Labcorp
Classification: Pathogenic for Kleefstra syndrome 1. Last evaluated: 2019-05-10. Review status: criteria provided, single submitter. Criteria: Invitae Variant Classification Sherloc (09022015). Collection method: clinical testing. Allele origin: germline.
Comment: A gross deletion of the genomic region encompassing the full coding sequence of the EHMT1 gene has been identified. The boundaries of this event are unknown as the deletion extends beyond the assayed region for this gene and therefore may encompass additional genes. Isolated whole-gene deletions of EHMT1 have not been reported in the literature. However, larger copy number events that include this gene have been reported (PMID: 19264732, 27891178). Loss-of-function variants in EHMT1 are known to be pathogenic (PMID: 16826528, 19264732). For these reasons, this variant has been classified as Pathogenic.

Labcorp Genetics (formerly Invitae), Labcorp
Classification: Uncertain significance for Autosomal dominant nocturnal frontal lobe epilepsy 5; Developmental and epileptic encephalopathy, 14. Last evaluated: 2019-05-07. Review status: criteria provided, single submitter. Criteria: Invitae Variant Classification Sherloc (09022015). Collection method: clinical testing. Allele origin: germline.
Comment: In summary, the available evidence is currently insufficient to determine the role of this variant in disease. Therefore, it has been classified as a Variant of Uncertain Significance. This variant has not been reported in the literature in individuals with KCNT1-related conditions. This variant is a gross deletion of the genomic region encompassing exons 5-31 of the KCNT1 gene. The 5' boundary is likely confined to intron 4. The 3' end of this event is unknown as it extends through the termination codon beyond the assayed region for this gene and may encompass additional genes. While this deletion is not anticipated to result in nonsense mediated decay, it is expected to create a truncated protein product or disrupt mRNA translation.

Literature cited by the submitters: PubMed 27891178; PubMed 19264732.

NC_000009.11:g.(?_138645763)_(140729425_?)del

Genes: CIMIP2A (ciliary microtubule inner protein 2A; minus strand), LCNL1 (lipocalin like 1; plus strand), LHX3 (LIM homeobox 3; minus strand), LINC02908 (long independently transcribed non-coding RNA 2908; plus strand), PHPT1 (phosphohistidine phosphatase 1; plus strand) and 74 more. Cytogenetic location: 9q34.3.
Variant type: Deletion.
Identifiers: ClinVar variation 831360 (VCV000831360.40).